The following is an entry in ClinVar:

NM_021625.5(TRPV4):c.903C>G (p.Val301=)

Gene: TRPV4 (transient receptor potential cation channel subfamily V member 4; minus strand). Cytogenetic location: 12q24.11.
Variant type: single nucleotide variant.
Coding change: c.903C>G on transcript NM_021625.5 (MANE Select); coding-DNA position 903, C replaced by G.
Protein change: p.Val301=; no amino-acid change (valine 301 retained).
Molecular consequence: synonymous variant.
Genome position (GRCh38, 1-based): chr12:109,798,863, G>C on the plus strand (C>G on the coding strand, the complement: TRPV4 is on the minus strand). VCF-style: chr12-109798863-G-C. GRCh37 (hg19) VCF-style: chr12-110236668-G-C.
Other names: c.762C>G, p.Val254= (NM_001177428.2, NM_001177433.2); c.801C>G, p.Val267= (NM_001177431.2); c.903C>G, p.Val301= (NM_147204.3).
Identifiers: ClinVar variation 261421 (VCV000261421.39), dbSNP rs748103823, ClinGen allele CA6780388.

ClinVar aggregate classification (germline): Likely benign. Review status: criteria provided, multiple submitters, no conflicts (2 of 4 stars). 5 submissions from 5 submitters: Likely benign (5). Last evaluated 2025-12-09.

Conditions:
Inborn genetic diseases. Identifiers: MedGen C0950123, MeSH D030342.
Charcot-Marie-Tooth disease. Also called: Charcot-Marie-Tooth Hereditary Neuropathy; Charcot-Marie-Tooth Neuropathy. Identifiers: Orphanet 166, MedGen C0007959, MONDO:0015626.
Charcot-Marie-Tooth disease axonal type 2C (HMSN2C). Also called: CHARCOT-MARIE-TOOTH DISEASE, AXONAL, AUTOSOMAL DOMINANT, TYPE 2C; Charcot-Marie-Tooth Neuropathy Type 2C; Charcot-Marie-Tooth Disease Type 2, TRPV4-Related (CMT2C). Identifiers: Orphanet 99937, MedGen C1853710, MONDO:0011633, OMIM 606071.

Allele frequency attached by ClinVar (database versions not stated): gnomAD below 0.00001 and 0.00003; TOPMed 0.00001; gnomAD exomes 0.00007 and 0.00012; ExAC 0.00008.
gnomAD v4.1: 113 of 1,613,870 alleles (0.007%); highest among the groups gnomAD compares: South Asian, 0.11%; 2 homozygotes.

Submissions (5):

Labcorp Genetics (formerly Invitae), Labcorp
Classification: Likely benign for Charcot-Marie-Tooth disease axonal type 2C. Last evaluated: 2025-12-09. Review status: criteria provided, single submitter. Criteria: Invitae Variant Classification Sherloc (09022015). Collection method: clinical testing. Allele origin: germline.

CeGaT Center for Human Genetics Tuebingen
Classification: Likely benign. Last evaluated: 2022-03-01. Review status: criteria provided, single submitter. Criteria: CeGaT Center For Human Genetics Tuebingen Variant Classification Criteria Version 2. Collection method: clinical testing. Allele origin: germline. Affected: yes. Observed: 1 variant allele.
Comment: TRPV4: BP4, BP7

Ambry Genetics
Classification: Likely benign for Inborn genetic diseases. Last evaluated: 2019-07-11. Review status: criteria provided, single submitter. Criteria: Ambry Variant Classification Scheme 2023. Collection method: clinical testing. Allele origin: germline.

Molecular Genetics Laboratory, London Health Sciences Centre
Classification: Likely benign for Charcot-Marie-Tooth disease. Review status: criteria provided, single submitter. Criteria: ACMG Guidelines, 2015. Collection method: clinical testing. Allele origin: germline. Affected: yes.

PreventionGenetics, part of Exact Sciences
Classification: Likely benign. Review status: criteria provided, single submitter. Criteria: ACMG Guidelines, 2015. Collection method: clinical testing. Allele origin: germline.